The following is an entry in ClinVar:

ClinVar aggregate classification (germline): Likely benign. Review status: criteria provided, multiple submitters, no conflicts (2 of 4 stars). 3 submissions from 3 submitters: Likely benign (3). Last evaluated 2026-02-16.

Conditions:
SIX5-related disorder. Also called: SIX5-related condition.
Branchiootorenal syndrome 2 (BOR2). Identifiers: Orphanet 107, MedGen C1970479, MONDO:0012575, OMIM 610896.

Allele frequency attached by ClinVar (database versions not stated): gnomAD exomes 0.00001 and 0.00005; ExAC 0.00002; gnomAD 0.00007; TOPMed 0.00007; 1000 Genomes Project 30x 0.00016; 1000 Genomes Project 0.00020.
gnomAD v4.1: 31 of 1,612,978 alleles (0.0019%); highest among the groups gnomAD compares: East Asian, 0.054%; no homozygotes.

Submissions (3):

PreventionGenetics, part of Exact Sciences
Classification: Likely benign for SIX5-related condition. Last evaluated: 2026-02-16. Review status: criteria provided, single submitter. Criteria: ACMG Guidelines, 2015. Collection method: clinical testing. Allele origin: germline.
Comment: This variant is classified as likely benign based on ACMG/AMP sequence variant interpretation guidelines (Richards et al. 2015 PMID: 25741868, with internal and published modifications).

Labcorp Genetics (formerly Invitae), Labcorp
Classification: Likely benign. Last evaluated: 2024-07-03. Review status: criteria provided, single submitter. Criteria: Invitae Variant Classification Sherloc (09022015). Collection method: clinical testing. Allele origin: germline.

Fulgent Genetics
Classification: Likely benign for Branchiootorenal syndrome 2. Last evaluated: 2021-07-28. Review status: criteria provided, single submitter. Criteria: ACMG Guidelines, 2015. Collection method: clinical testing. Allele origin: unknown.

NM_175875.5(SIX5):c.603C>T (p.Gly201=)

Genes: DM1-AS (DM1 locus antisense RNA; plus strand), SIX5 (SIX homeobox 5; minus strand), LOC107075317 (origin of replication in DMPK trinucleotide repeat region; plus strand). Cytogenetic location: 19q13.32.
Variant type: single nucleotide variant.
Coding change: c.603C>T on transcript NM_175875.5 (MANE Select); coding-DNA position 603, C replaced by T.
Protein change: p.Gly201=; no amino-acid change (glycine 201 retained).
Molecular consequence: synonymous variant.
Genome position (GRCh38, 1-based): chr19:45,768,242, G>A on the plus strand (C>T on the coding strand, the complement: SIX5 is on the minus strand). VCF-style: chr19-45768242-G-A. GRCh37 (hg19) VCF-style: chr19-46271500-G-A.
Other names: c.603C>T (NM_175875.4).
Identifiers: ClinVar variation 1653359 (VCV001653359.10), dbSNP rs202164217, ClinGen allele CA9520810.